The following is an entry in ClinVar:

ClinVar aggregate classification (germline): Uncertain significance (1 of 4 stars; one submission).

Conditions:
Inborn genetic diseases. Identifiers: MedGen C0950123, MeSH D030342.

gnomAD v4.1: 6 of 1,600,442 alleles (0.00037%); highest among the groups gnomAD compares: African/African-American, 0.0013%; no homozygotes.

Submission:

Ambry Genetics
Classification: Uncertain significance for Inborn genetic diseases. Last evaluated: 2025-08-28. Review status: criteria provided, single submitter. Criteria: Ambry Variant Classification Scheme 2023. Collection method: clinical testing. Allele origin: germline.
Comment: The p.R443L variant (also known as c.1328G>T), located in coding exon 4 of the SMAD6 gene, results from a G to T substitution at nucleotide position 1328. The arginine at codon 443 is replaced by leucine, an amino acid with dissimilar properties. This amino acid position is conserved. In addition, the in silico prediction for this alteration is inconclusive. Based on the available evidence, the clinical significance of this variant remains unclear.

NM_005585.5(SMAD6):c.1328G>T (p.Arg443Leu)

Gene: SMAD6 (SMAD family member 6; plus strand). Cytogenetic location: 15q22.31.
Variant type: single nucleotide variant.
Coding change: c.1328G>T on transcript NM_005585.5 (MANE Select); coding-DNA position 1328, G replaced by T.
Protein change: p.Arg443Leu; replaces arginine 443 with leucine.
Molecular consequence: missense variant. On other transcripts: non-coding transcript variant (1).
Genome position (GRCh38, 1-based): chr15:66,781,372, G>T. VCF-style: chr15-66781372-G-T. GRCh37 (hg19) VCF-style: chr15-67073710-G-T.
Other names: short protein forms R443L.
Identifiers: ClinVar variation 4170078 (VCV004170078.1).